The following is an entry in ClinVar:

ClinVar aggregate classification (germline): Benign/Likely benign. Review status: criteria provided, multiple submitters, no conflicts (2 of 4 stars). 10 submissions from 10 submitters: Benign (4); Likely benign (2). 4 of the submissions do not count toward it. Last evaluated 2026-01-08.

Conditions:
Cardiovascular phenotype. Identifiers: MedGen CN230736.
Congenital total pulmonary venous return anomaly (TAPVR1). Also called: TOTAL ANOMALOUS PULMONARY VENOUS RETURN 1; Total anomalous pulmonary venous return. Identifiers: Orphanet 99125, MedGen C4551903, MONDO:0007130, OMIM 106700, HP:0005160.
ANKRD1-related dilated cardiomyopathy. Identifiers: MedGen CN119551.

Allele frequency attached by ClinVar (database versions not stated): TOPMed 0.00002; gnomAD 0.00006; ESP Exome Variant Server 0.00008; gnomAD exomes 0.00066 and 0.00146; ExAC 0.00170; 1000 Genomes Project 0.00200; 1000 Genomes Project 30x 0.00219.

Submissions (10):

Labcorp Genetics (formerly Invitae), Labcorp
Classification: Benign for ANKRD1-related dilated cardiomyopathy. Last evaluated: 2026-01-08. Review status: criteria provided, single submitter. Criteria: Invitae Variant Classification Sherloc (09022015). Collection method: clinical testing. Allele origin: germline.

CeGaT Center for Human Genetics Tuebingen
Classification: Benign. Last evaluated: 2022-11-01. Review status: criteria provided, single submitter. Criteria: CeGaT Center For Human Genetics Tuebingen Variant Classification Criteria Version 2. Collection method: clinical testing. Allele origin: germline. Affected: yes. Observed: 1 variant allele.
Comment: ANKRD1: BP4, BP7, BS1, BS2

Women's Health and Genetics/Laboratory Corporation of America, LabCorp
Classification: Benign. Last evaluated: 2017-08-02. Review status: criteria provided, single submitter. Criteria: LabCorp Variant Classification Summary - May 2015. Collection method: clinical testing. Allele origin: germline.
Comment: Variant summary: The ANKRD1 c.150C>G (p.Ala50Ala) variant involves the alteration of a non-conserved nucleotide, resulting in a synonymous change. Mutation taster predicts a damaging outcome for this variant. 5/5 splice prediction tools predict no significant impact on normal splicing. ESE finder predicts that this variant creates binding site for SF2/ASF and SC35. However, these predictions have yet to be confirmed by functional studies. This variant was found in 206/121400 control chromosomes (5 homozygotes) from ExAC, predominantly observed in the South Asian subpopulation at a frequency of 0.012112 (200/16512). This frequency is about 352 times the estimated maximal expected allele frequency of a pathogenic ANKRD1 variant (0.0000344), suggesting this is likely a benign polymorphism found primarily in the populations of South Asian origin. In addition, multiple clinical diagnostic laboratories in ClinVar have classified this variant as likely benign/benign. To our knowledge, this variant has not been reported in affected individuals via publications. Taken together, this variant is classified as benign.

GeneDx
Classification: Benign. Last evaluated: 2016-05-04. Review status: criteria provided, single submitter. Criteria: GeneDx Variant Classification (06012015). Collection method: clinical testing. Allele origin: germline. Affected: yes.
Comment: This variant is considered likely benign or benign based on one or more of the following criteria: it is a conservative change, it occurs at a poorly conserved position in the protein, it is predicted to be benign by multiple in silico algorithms, and/or has population frequency not consistent with disease.

Ambry Genetics
Classification: Likely benign for Cardiovascular phenotype. Last evaluated: 2016-02-25. Review status: criteria provided, single submitter. Criteria: Ambry Variant Classification Scheme 2023. Collection method: clinical testing. Allele origin: germline.

Laboratory for Molecular Medicine, Mass General Brigham Personalized Medicine
Classification: Likely benign. Last evaluated: 2012-03-19. Review status: criteria provided, single submitter. Criteria: LMM Criteria. Collection method: clinical testing. Allele origin: germline. Observed: 1 variant allele.
Comment: Ala50Ala in exon 2 of ANKRD1: This variant is not expected to have clinical sign ificance because it does not alter an amino acid residue and is not located with in the splice consensus sequence. It has been identified in 1/3738 African Ameri can chromosomes from a broad population by the NHLBI Exome Sequencing Project (dbSNP rs147484763).

Clinical Genetics DNA and cytogenetics Diagnostics Lab, Erasmus MC, Erasmus Medical Center
Classification: Likely benign. Review status: no assertion criteria provided. Collection method: clinical testing. Allele origin: germline. Affected: yes. Study: VKGL Data-share Consensus. Not counted in ClinVar's aggregate classification.

Clinical Genetics, Academic Medical Center
Classification: Benign. Review status: no assertion criteria provided. Collection method: clinical testing. Allele origin: germline. Affected: yes. Study: VKGL Data-share Consensus. Not counted in ClinVar's aggregate classification.

Diagnostic Laboratory, Department of Genetics, University Medical Center Groningen
Classification: Likely benign for Congenital total pulmonary venous return anomaly. Review status: no assertion criteria provided. Collection method: clinical testing. Allele origin: germline. Affected: yes. Study: VKGL Data-share Consensus. Not counted in ClinVar's aggregate classification.

Joint Genome Diagnostic Labs from Nijmegen and Maastricht, Radboudumc and MUMC+
Classification: Benign. Review status: no assertion criteria provided. Collection method: clinical testing. Allele origin: germline. Affected: yes. Study: VKGL Data-share Consensus. Not counted in ClinVar's aggregate classification.

NM_014391.3(ANKRD1):c.150C>G (p.Ala50=)

Gene: ANKRD1 (ankyrin repeat domain 1; minus strand). Cytogenetic location: 10q23.31.
Variant type: single nucleotide variant.
Coding change: c.150C>G on transcript NM_014391.3 (MANE Select); coding-DNA position 150, C replaced by G.
Protein change: p.Ala50=; no amino-acid change (alanine 50 retained).
Molecular consequence: synonymous variant.
Genome position (GRCh38, 1-based): chr10:90,920,226, G>C on the plus strand (C>G on the coding strand, the complement: ANKRD1 is on the minus strand). VCF-style: chr10-90920226-G-C. GRCh37 (hg19) VCF-style: chr10-92679983-G-C.
Identifiers: ClinVar variation 178005 (VCV000178005.48), dbSNP rs147484763, ClinGen allele CA181159.